The following is an entry in ClinVar:

NM_000093.5(COL5A1):c.5335A>G (p.Asn1779Asp)

Genes: COL5A1 (collagen type V alpha 1 chain; plus strand), LOC101448202 (uncharacterized LOC101448202; minus strand). Cytogenetic location: 9q34.3.
Variant type: single nucleotide variant.
Coding change: c.5335A>G on transcript NM_000093.5 (MANE Select); coding-DNA position 5335, A replaced by G.
Protein change: p.Asn1779Asp; replaces asparagine 1779 with aspartic acid.
Molecular consequence: missense variant.
Genome position (GRCh38, 1-based): chr9:134,835,169, A>G. VCF-style: chr9-134835169-A-G. GRCh37 (hg19) VCF-style: chr9-137727015-A-G.
Other names: p.N1779D:AAC>GAC; c.5335A>G, p.Asn1779Asp (NM_001278074.1); short protein forms N1779D.
Identifiers: ClinVar variation 213065 (VCV000213065.19), dbSNP rs780400029, ClinGen allele CA324885.

ClinVar aggregate classification (germline): Conflicting classifications of pathogenicity. Review status: criteria provided, conflicting classifications (1 of 4 stars). 5 submissions from 5 submitters: Uncertain significance (1); Likely benign (4). Last evaluated 2025-12-10.

Conditions:
COL5A1-related disorder. Also called: COL5A1-related condition.
Ehlers-Danlos syndrome, classic type, 1 (EDSCL1). Also called: Ehlers-Danlos syndrome, type 1; Ehlers-Danlos Syndrome, Classic Type, COL5A1-Related; EDS I; EHLERS-DANLOS SYNDROME, GRAVIS TYPE; EHLERS-DANLOS SYNDROME, SEVERE CLASSIC TYPE. Identifiers: MedGen C0268335, MONDO:0019567, OMIM 130000.
Familial thoracic aortic aneurysm and aortic dissection (TAAD). Also called: Thoracic aortic aneurysms and dissections. Identifiers: Orphanet 91387, MedGen C4707243, MONDO:0019625.

Allele frequency attached by ClinVar (database versions not stated): gnomAD 0.00005 and 0.00004; gnomAD exomes 0.00005 and 0.00016; TOPMed 0.00008; ExAC 0.00014.
gnomAD v4.1: 78 of 1,613,806 alleles (0.0048%); highest among the groups gnomAD compares: East Asian, 0.16%; no homozygotes.

Submissions (5):

Labcorp Genetics (formerly Invitae), Labcorp
Classification: Likely benign for Ehlers-Danlos syndrome, classic type, 1. Last evaluated: 2025-12-10. Review status: criteria provided, single submitter. Criteria: Invitae Variant Classification Sherloc (09022015). Collection method: clinical testing. Allele origin: germline.

Women's Health and Genetics/Laboratory Corporation of America, LabCorp
Classification: Likely benign. Last evaluated: 2025-07-01. Review status: criteria provided, single submitter. Criteria: LabCorp Variant Classification Summary - May 2015. Collection method: clinical testing. Allele origin: germline.

PreventionGenetics, part of Exact Sciences
Classification: Likely benign for COL5A1-related condition. Last evaluated: 2024-11-07. Review status: criteria provided, single submitter. Criteria: ACMG Guidelines, 2015. Collection method: clinical testing. Allele origin: germline.
Comment: This variant is classified as likely benign based on ACMG/AMP sequence variant interpretation guidelines (Richards et al. 2015 PMID: 25741868, with internal and published modifications).

Ambry Genetics
Classification: Likely benign for Familial thoracic aortic aneurysm and aortic dissection. Last evaluated: 2023-04-24. Review status: criteria provided, single submitter. Criteria: Ambry Variant Classification Scheme 2023. Collection method: clinical testing. Allele origin: germline.

GeneDx
Classification: Uncertain significance. Last evaluated: 2014-09-05. Review status: criteria provided, single submitter. Criteria: GeneDx Variant Classification (06012015). Collection method: clinical testing. Allele origin: germline. Affected: yes.
Comment: p.Asn1779Asp (AAC>GAC): c.5335 A>G in exon 65 of the COL5A1 gene (NM_000093.3) The N1779D variant has not been published as a mutation, nor has it been reported as a benign polymorphism to our knowledge. The N1779D variant was not observed in approximately 6,500 individuals of European and African American ancestry in the NHLBI Exome Sequencing Project, indicating it is not a common benign variant in these populations. The N1779D variant is a semi-conservative amino acid substitution, which may impact secondary protein structure as these residues differ in some properties. Additionally, this substitution occurs at a position that is class conserved across species. However, in silico analysis is inconsistent in its predictions as to whether or not the variant is damaging to the protein structure/function. Furthermore, missense mutations in nearby residues have not been reported indicating this region of the protein may be tolerant of change. Therefore, based on the currently available information, it is unclear whether this variant is a pathogenic mutation or a rare benign variant. This variant was found in TAAD

Literature cited by the submitters: PubMed 29924831 (cited by Ambry Genetics); PubMed 31239369 (cited by Ambry Genetics); PubMed 34422331 (cited by Ambry Genetics).